The following is an entry in ClinVar:

NM_170606.3(KMT2C):c.14403C>A (p.Ile4801=)

Gene: KMT2C (lysine methyltransferase 2C; minus strand). Cytogenetic location: 7q36.1.
Variant type: single nucleotide variant.
Coding change: c.14403C>A on transcript NM_170606.3 (MANE Select); coding-DNA position 14403, C replaced by A.
Protein change: p.Ile4801=; no amino-acid change (isoleucine 4801 retained).
Molecular consequence: synonymous variant.
Genome position (GRCh38, 1-based): chr7:152,139,732, G>T on the plus strand (C>A on the coding strand, the complement: KMT2C is on the minus strand). VCF-style: chr7-152139732-G-T. GRCh37 (hg19) VCF-style: chr7-151836817-G-T.
Identifiers: ClinVar variation 1914093 (VCV001914093.29), dbSNP rs766668131, ClinGen allele CA169212389.
Genomic context (GRCh38, chr7:152,139,732, plus strand): 5'-TACCTGAGACTCATAAAGCTTCTCTTTCCTGTTGGCTACTTCGTTTCGAATGATAGTCCC[G>T]ATGTACTCAATGACCATGGTGTGTTTCTCAATGTCTCGAGCAGCATACAGGCCCAGCCCC-3'
Protein context (NP_733751.2, residues 4791-4811): IEKHTMVIEY[Ile4801=]GTIIRNEVAN

ClinVar aggregate classification (germline): Likely benign. Review status: criteria provided, multiple submitters, no conflicts (2 of 4 stars). 2 submissions from 2 submitters: Likely benign (2). Last evaluated 2026-07-01.

Allele frequency attached by ClinVar (database versions not stated): TOPMed 0.00006.
gnomAD v4.1: 23 of 1,613,896 alleles (0.0014%); highest among the groups gnomAD compares: Admixed American, 0.02%; no homozygotes.

Submissions (2):

CeGaT Center for Human Genetics Tuebingen
Classification: Likely benign. Last evaluated: 2026-07-01. Review status: criteria provided, single submitter. Criteria: CeGaT Center For Human Genetics Tuebingen Variant Classification Criteria Version 2. Collection method: clinical testing. Allele origin: germline. Affected: yes. Observed: 2 variant alleles.
Comment: KMT2C: BP4, BP7

Labcorp Genetics (formerly Invitae), Labcorp
Classification: Likely benign. Last evaluated: 2023-12-21. Review status: criteria provided, single submitter. Criteria: Invitae Variant Classification Sherloc (09022015). Collection method: clinical testing. Allele origin: germline.